The following is an entry in ClinVar:

ClinVar aggregate classification (germline): Likely benign (1 of 4 stars; one submission).

gnomAD v4.1: 1 of 398,520 alleles (0.00025%); highest among the groups gnomAD compares: African/African-American, 0.0021%; no homozygotes.

Submission:

CeGaT Center for Human Genetics Tuebingen
Classification: Likely benign. Last evaluated: 2026-02-01. Review status: criteria provided, single submitter. Criteria: CeGaT Center For Human Genetics Tuebingen Variant Classification Criteria Version 2. Collection method: clinical testing. Allele origin: germline. Affected: yes. Observed: 1 variant allele.
Comment: TIAM1: BP4, BP7

NM_001353694.2(TIAM1):c.2991+4493C>T

Gene: TIAM1 (TIAM Rac1 associated GEF 1; minus strand). Cytogenetic location: 21q22.11.
Variant type: single nucleotide variant.
Coding change: c.2991+4493C>T on transcript NM_001353694.2 (MANE Select); 4493 bases into the intron after coding-DNA position 2991, C replaced by T.
Molecular consequence: intron variant. On other transcripts: synonymous variant (2).
Genome position (GRCh38, 1-based): chr21:31,160,469, G>A on the plus strand (C>T on the coding strand, the complement: TIAM1 is on the minus strand). VCF-style: chr21-31160469-G-A. GRCh37 (hg19) VCF-style: chr21-32532786-G-A.
Other names: c.66C>T, p.Asp22= (NM_001353684.2, NM_001353685.2); c.2991+4493C>T (NM_001353690.1, NM_003253.3, NM_001353688.1 and 5 more transcripts); c.2916+4493C>T (NM_001353687.2).
Identifiers: ClinVar variation 4823460 (VCV004823460.4).
Genomic context (GRCh38, chr21:31,160,469, plus strand): 5'-CTAGCAAGATAGGATTCAAACAGCAAAGGCGCTCACCAGATGAAGTGTTCGATACATAGA[G>A]TCACCGGACTTGTCATTGTTTTCAATCCTGGGCTTGCGCTTTATTTTCCACAGTGCAGAC-3'